The following is an entry in ClinVar:

NM_002474.3(MYH11):c.2415T>G (p.Ala805=)

Gene: MYH11 (myosin heavy chain 11; minus strand). Cytogenetic location: 16p13.11.
Variant type: single nucleotide variant.
Coding change: c.2415T>G on transcript NM_002474.3 (MANE Select); coding-DNA position 2415, T replaced by G.
Protein change: p.Ala805=; no amino-acid change (alanine 805 retained).
Molecular consequence: synonymous variant.
Genome position (GRCh38, 1-based): chr16:15,745,234, A>C on the plus strand (T>G on the coding strand, the complement: MYH11 is on the minus strand). VCF-style: chr16-15745234-A-C. GRCh37 (hg19) VCF-style: chr16-15839091-A-C.
Other names: c.2436T>G, p.Ala812= (NM_001040113.2, NM_001040114.2); c.2415T>G, p.Ala805= (NM_022844.3).
Identifiers: ClinVar variation 3250666 (VCV003250666.18), dbSNP rs1182087229.

ClinVar aggregate classification (germline): Likely benign (1 of 4 stars; one submission).

Submission:

CeGaT Center for Human Genetics Tuebingen
Classification: Likely benign. Last evaluated: 2024-09-01. Review status: criteria provided, single submitter. Criteria: CeGaT Center For Human Genetics Tuebingen Variant Classification Criteria Version 2. Collection method: clinical testing. Allele origin: germline. Affected: yes. Observed: 2 variant alleles.
Comment: MYH11: PM2:Supporting, BP4, BP7